The following is an entry in ClinVar:

NM_001184900.3(CARD8):c.787G>A (p.Val263Ile)

Gene: CARD8 (caspase recruitment domain family member 8; minus strand). Cytogenetic location: 19q13.33.
Variant type: single nucleotide variant.
Coding change: c.787G>A on transcript NM_001184900.3 (MANE Select); coding-DNA position 787, G replaced by A.
Protein change: p.Val263Ile; replaces valine 263 with isoleucine.
Molecular consequence: missense variant. On other transcripts: non-coding transcript variant (4).
Genome position (GRCh38, 1-based): chr19:48,230,686, C>T on the plus strand (G>A on the coding strand, the complement: CARD8 is on the minus strand). VCF-style: chr19-48230686-C-T. GRCh37 (hg19) VCF-style: chr19-48733943-C-T.
Other names: c.637G>A, p.Val213Ile (NM_001184901.1, NM_001351783.2, NM_001351788.2 and 2 more transcripts); c.787G>A, p.Val263Ile (NM_001184902.2, NM_001184903.1, NM_001351782.2); c.472G>A, p.Val158Ile (NM_001351784.2, NM_001351787.2, NM_001351791.2 and 1 more transcripts); c.451G>A, p.Val151Ile (NM_001351786.2); c.469G>A, p.Val157Ile (NM_001365950.1); c.-39G>A (NM_001426741.1); c.544G>A, p.Val182Ile (NM_001351790.2); short protein forms V157I, V158I, V263I, V182I, V151I, V213I.
Identifiers: ClinVar variation 2788605 (VCV002788605.3), dbSNP rs572420336, ClinGen allele CA9547902.

ClinVar aggregate classification (germline): Uncertain significance (1 of 4 stars; one submission).

Allele frequency attached by ClinVar (database versions not stated): gnomAD 0.00001; gnomAD exomes 0.00001; 1000 Genomes Project 0.00020; ExAC 0.00002; 1000 Genomes Project 30x 0.00016.

Submission:

Labcorp Genetics (formerly Invitae), Labcorp
Classification: Uncertain significance. Last evaluated: 2025-04-18. Review status: criteria provided, single submitter. Criteria: Invitae Variant Classification Sherloc (09022015). Collection method: clinical testing. Allele origin: germline.
Comment: This sequence change replaces valine, which is neutral and non-polar, with isoleucine, which is neutral and non-polar, at codon 213 of the CARD8 protein (p.Val213Ile). This variant is present in population databases (rs572420336, gnomAD 0.01%). This variant has not been reported in the literature in individuals affected with CARD8-related conditions. ClinVar contains an entry for this variant (Variation ID: 2788605). An algorithm developed to predict the effect of missense changes on protein structure and function outputs the following: PolyPhen-2: "Benign". The isoleucine amino acid residue is found in multiple mammalian species, which suggests that this missense change does not adversely affect protein function. In summary, the available evidence is currently insufficient to determine the role of this variant in disease. Therefore, it has been classified as a Variant of Uncertain Significance.